The following is an entry in ClinVar:

ClinVar aggregate classification (germline): Uncertain significance (1 of 4 stars; one submission).

Conditions:
RYR1-related disorder. Also called: RYR1-related condition; RYR1-related disorders. Identifiers: MedGen CN239331.

Allele frequency attached by ClinVar (database versions not stated): gnomAD exomes 0.00001.
gnomAD v4.1: 6 of 1,126,106 alleles (0.00053%); highest among the groups gnomAD compares: Non-Finnish European, 0.00065%; no homozygotes.

Submission:

Labcorp Genetics (formerly Invitae), Labcorp
Classification: Uncertain significance for RYR1-related disorder. Last evaluated: 2021-08-12. Review status: criteria provided, single submitter. Criteria: Invitae Variant Classification Sherloc (09022015). Collection method: clinical testing. Allele origin: germline.
Comment: This sequence change replaces arginine with cysteine at codon 4326 of the RYR1 protein (p.Arg4326Cys). The arginine residue is moderately conserved and there is a large physicochemical difference between arginine and cysteine. The frequency data for this variant in the population databases is considered unreliable, as metrics indicate insufficient coverage at this position in the ExAC database. This variant has not been reported in the literature in individuals affected with RYR1-related conditions. Advanced modeling of protein sequence and biophysical properties (such as structural, functional, and spatial information, amino acid conservation, physicochemical variation, residue mobility, and thermodynamic stability) performed at Invitae indicates that this missense variant is not expected to disrupt RYR1 protein function. In summary, the available evidence is currently insufficient to determine the role of this variant in disease. Therefore, it has been classified as a Variant of Uncertain Significance.

NM_000540.3(RYR1):c.12976C>T (p.Arg4326Cys)

Gene: RYR1 (ryanodine receptor 1; plus strand). Cytogenetic location: 19q13.2.
Variant type: single nucleotide variant.
Coding change: c.12976C>T on transcript NM_000540.3 (MANE Select); coding-DNA position 12976, C replaced by T.
Protein change: p.Arg4326Cys; replaces arginine 4326 with cysteine.
Molecular consequence: missense variant.
Genome position (GRCh38, 1-based): chr19:38,565,310, C>T. VCF-style: chr19-38565310-C-T. GRCh37 (hg19) VCF-style: chr19-39055950-C-T.
Other names: c.12961C>T, p.Arg4321Cys (NM_001042723.2); short protein forms R4326C, R4321C.
Identifiers: ClinVar variation 1524397 (VCV001524397.3), dbSNP rs2145845063, ClinGen allele CA405672805.